The following is an entry in ClinVar:

NM_004360.5(CDH1):c.856G>A (p.Ala286Thr)

Gene: CDH1 (cadherin 1; plus strand). Cytogenetic location: 16q22.1.
Variant type: single nucleotide variant.
Coding change: c.856G>A on transcript NM_004360.5 (MANE Select); coding-DNA position 856, G replaced by A.
Protein change: p.Ala286Thr; replaces alanine 286 with threonine.
Molecular consequence: missense variant. On other transcripts: 5 prime UTR variant (2).
Genome position (GRCh38, 1-based): chr16:68,811,707, G>A. VCF-style: chr16-68811707-G-A. GRCh37 (hg19) VCF-style: chr16-68845610-G-A.
Other names: c.856G>A, p.Ala286Thr (NM_001317184.2); c.-760G>A (NM_001317185.2); c.-964G>A (NM_001317186.2); short protein forms A286T.
Identifiers: ClinVar variation 822574 (VCV000822574.13), dbSNP rs1597893973, ClinGen allele CA396459582.

ClinVar aggregate classification (germline): Uncertain significance. Review status: criteria provided, multiple submitters, no conflicts (2 of 4 stars). 2 submissions from 2 submitters: Uncertain significance (2). Last evaluated 2025-12-17.

Conditions:
Hereditary cancer-predisposing syndrome. Also called: Hereditary Cancer Syndrome; Neoplastic Syndromes, Hereditary; Hereditary neoplastic syndrome; Tumor predisposition. Identifiers: Orphanet 140162, MedGen C0027672, MeSH D009386, MONDO:0015356.
Hereditary diffuse gastric adenocarcinoma (HDGC). Also called: DIFFUSE GASTRIC AND LOBULAR BREAST CANCER SYNDROME. Identifiers: Orphanet 26106, MedGen C1708349, MONDO:0007648, OMIM 137215.

Submissions (2):

Labcorp Genetics (formerly Invitae), Labcorp
Classification: Uncertain significance for Hereditary diffuse gastric adenocarcinoma. Last evaluated: 2025-12-17. Review status: criteria provided, single submitter. Criteria: Invitae Variant Classification Sherloc (09022015). Collection method: clinical testing. Allele origin: germline.
Comment: This sequence change replaces alanine, which is neutral and non-polar, with threonine, which is neutral and polar, at codon 286 of the CDH1 protein (p.Ala286Thr). This variant is not present in population databases (gnomAD no frequency). This variant has not been reported in the literature in individuals affected with CDH1-related conditions. ClinVar contains an entry for this variant (Variation ID: 822574). An algorithm developed to predict the effect of missense changes on protein structure and function (PolyPhen-2) suggests that this variant is likely to be disruptive. In summary, the available evidence is currently insufficient to determine the role of this variant in disease. Therefore, it has been classified as a Variant of Uncertain Significance.

Ambry Genetics
Classification: Uncertain significance for Hereditary cancer-predisposing syndrome. Last evaluated: 2018-09-27. Review status: criteria provided, single submitter. Criteria: Ambry Variant Classification Scheme 2023. Collection method: clinical testing. Allele origin: germline.
Comment: The p.A286T variant (also known as c.856G>A), located in coding exon 7 of the CDH1 gene, results from a G to A substitution at nucleotide position 856. The alanine at codon 286 is replaced by threonine, an amino acid with similar properties. This amino acid position is highly conserved in available vertebrate species. In addition, this alteration is predicted to be deleterious by in silico analysis. Since supporting evidence is limited at this time, the clinical significance of this alteration remains unclear.